The following is an entry in ClinVar:

NM_006922.4(SCN3A):c.898G>A (p.Asp300Asn)

Gene: SCN3A (sodium voltage-gated channel alpha subunit 3; minus strand). Cytogenetic location: 2q24.3.
Variant type: single nucleotide variant.
Coding change: c.898G>A on transcript NM_006922.4 (MANE Select); coding-DNA position 898, G replaced by A.
Protein change: p.Asp300Asn; replaces aspartic acid 300 with asparagine.
Molecular consequence: missense variant.
Genome position (GRCh38, 1-based): chr2:165,162,625, C>T on the plus strand (G>A on the coding strand, the complement: SCN3A is on the minus strand). VCF-style: chr2-165162625-C-T. GRCh37 (hg19) VCF-style: chr2-166019135-C-T.
Other names: c.898G>A, p.Asp300Asn (NM_001081676.2, NM_001081677.2); short protein forms D300N.
Identifiers: ClinVar variation 973275 (VCV000973275.4), dbSNP rs775658357, ClinGen allele CA1939312.

ClinVar aggregate classification (germline): Uncertain significance (1 of 4 stars; one submission).

Conditions:
SCN3A-related neurodevelopmental sisorder.

Allele frequency attached by ClinVar (database versions not stated): gnomAD exomes below 0.00001 and 0.00001; ExAC 0.00001.
gnomAD v4.1: 3 of 1,614,130 alleles (0.00019%); highest among the groups gnomAD compares: Non-Finnish European, 0.00025%; no homozygotes.

Submission:

Illumina Laboratory Services, Illumina
Classification: Uncertain significance for SCN3A-related neurodevelopmental sisorder. Last evaluated: 2019-12-18. Review status: criteria provided, single submitter. Criteria: ICSLVariantClassificationCriteria RUGD 01 April 2020. Collection method: clinical testing. Allele origin: unknown.
Comment: The SCN3A c.898G>A (p.Asp300Asn) variant is a missense variant. A literature search was performed for the gene, cDNA change, and amino acid change. No publications were found based on this search. The p.Asp300Asn variant is reported at a frequency of 0.000009 in the European (non-Finnish) population of the Genome Aggregation Database though this is based on one allele in a region of good sequence coverage so the variant is presumed to be rare. Based on the limited evidence, the p.Asp300Asn is classified as a variant of unknown significance for SCN3A-related neurodevelopmental disorder.